The following is an entry in ClinVar:

ClinVar aggregate classification (germline): Likely benign. Review status: criteria provided, multiple submitters, no conflicts (2 of 4 stars). 4 submissions from 4 submitters: Likely benign (3). 1 of the submissions does not count toward it. Last evaluated 2026-01-28.

Conditions:
SYNE4-related disorder. Also called: SYNE4-related condition.

Allele frequency attached by ClinVar (database versions not stated): gnomAD exomes 0.00009 and 0.00021; 1000 Genomes Project 0.00020; ExAC 0.00028; 1000 Genomes Project 30x 0.00031; ESP Exome Variant Server 0.00082; gnomAD 0.00101 and 0.00113; TOPMed 0.00104.
gnomAD v4.1: 288 of 1,611,082 alleles (0.018%); highest among the groups gnomAD compares: African/African-American, 0.36%; 2 homozygotes.

Submissions (4):

Labcorp Genetics (formerly Invitae), Labcorp
Classification: Likely benign. Last evaluated: 2026-01-28. Review status: criteria provided, single submitter. Criteria: Invitae Variant Classification Sherloc (09022015). Collection method: clinical testing. Allele origin: germline.

GeneDx
Classification: Likely benign. Last evaluated: 2021-06-15. Review status: criteria provided, single submitter. Criteria: GeneDx Variant Classification Process June 2021. Collection method: clinical testing. Allele origin: germline. Affected: yes.

Laboratory for Molecular Medicine, Mass General Brigham Personalized Medicine
Classification: Likely benign. Last evaluated: 2017-05-16. Review status: criteria provided, single submitter. Criteria: LMM Criteria. Collection method: clinical testing. Allele origin: germline. Observed: 2 variant alleles.
Comment: p.Pro86Leu in exon 2 of SYNE4: This variant is not expected to have clinical sig nificance because it has been identified in 0.3% (73/23958) of African chromosom es by the Genome Aggregation Database (gnomAD; dbSNP rs200630302).

PreventionGenetics, part of Exact Sciences
Classification: Likely benign for SYNE4-related condition. Last evaluated: 2022-07-12. Review status: no assertion criteria provided. Collection method: clinical testing. Allele origin: germline. Not counted in ClinVar's aggregate classification.
Comment: This variant is classified as likely benign based on ACMG/AMP sequence variant interpretation guidelines (Richards et al. 2015 PMID: 25741868, with internal and published modifications).

NM_001039876.3(SYNE4):c.257C>T (p.Pro86Leu)

Gene: SYNE4 (spectrin repeat containing nuclear envelope family member 4; minus strand). Cytogenetic location: 19q13.12.
Variant type: single nucleotide variant.
Coding change: c.257C>T on transcript NM_001039876.3 (MANE Select); coding-DNA position 257, C replaced by T.
Protein change: p.Pro86Leu; replaces proline 86 with leucine.
Molecular consequence: missense variant.
Genome position (GRCh38, 1-based): chr19:36,008,239, G>A on the plus strand (C>T on the coding strand, the complement: SYNE4 is on the minus strand). VCF-style: chr19-36008239-G-A. GRCh37 (hg19) VCF-style: chr19-36499141-G-A.
Other names: c.257C>T, p.Pro86Leu (NM_001297735.3); short protein forms P86L.
Identifiers: ClinVar variation 504864 (VCV000504864.18), dbSNP rs200630302, ClinGen allele CA9393986.